The following is an entry in ClinVar:

NM_001015877.2(PHF6):c.399A>G (p.Lys133=)

Gene: PHF6 (PHD finger protein 6; plus strand). Cytogenetic location: Xq26.2.
Variant type: single nucleotide variant.
Coding change: c.399A>G on transcript NM_001015877.2 (MANE Select); coding-DNA position 399, A replaced by G.
Protein change: p.Lys133=; no amino-acid change (lysine 133 retained).
Molecular consequence: synonymous variant.
Genome position (GRCh38, 1-based): chrX:134,393,933, A>G. VCF-style: chrX-134393933-A-G. GRCh37 (hg19) VCF-style: chrX-133527963-A-G.
Other names: c.399A>G, p.Lys133= (NM_032335.3, NM_032458.3, LRG_629t2).
Identifiers: ClinVar variation 391122 (VCV000391122.6), dbSNP rs780193840, ClinGen allele CA10521209.
Genomic context (GRCh38, chrX:134,393,933, plus strand): 5'-TTGCTTACTAATTTTTGATTTCTTCATTTTTTATAGGGTCTATTGCCGAAAACACAAGAA[A>G]ACTGCACATAACTCCGAAGGTACATCATTTAGCCACGTTTCAGCCACTTTTCAGTTTCAA-3'
Protein context (NP_001015877.1, residues 123-143): IYMVYCRKHK[Lys133=]TAHNSEADLE

ClinVar aggregate classification (germline): Benign/Likely benign. Review status: criteria provided, multiple submitters, no conflicts (2 of 4 stars). 3 submissions from 3 submitters: Benign (1); Likely benign (2). Last evaluated 2025-07-28.

Conditions:
Borjeson-Forssman-Lehmann syndrome (BFLS). Also called: MENTAL RETARDATION, X-LINKED, SYNDROMIC, BORJESON-FORSSMAN-LEHMANN TYPE; MENTAL RETARDATION, EPILEPSY, AND ENDOCRINE DISORDERS; BORJESON SYNDROME. Identifiers: Orphanet 127, MedGen C0265339, MONDO:0010537, OMIM 301900.

Allele frequency attached by ClinVar (database versions not stated): gnomAD below 0.00001 and 0.00010; TOPMed 0.00003; gnomAD exomes 0.00009 and 0.00022; ExAC 0.00019.
gnomAD v4.1: 113 of 1,208,864 alleles (0.0093%); highest among the groups gnomAD compares: South Asian, 0.17%; no homozygotes.

Submissions (3):

Labcorp Genetics (formerly Invitae), Labcorp
Classification: Benign for Borjeson-Forssman-Lehmann syndrome. Last evaluated: 2025-07-28. Review status: criteria provided, single submitter. Criteria: Invitae Variant Classification Sherloc (09022015). Collection method: clinical testing. Allele origin: germline.

Blueprint Genetics
Classification: Likely benign. Last evaluated: 2023-07-31. Review status: criteria provided, single submitter. Criteria: ACMG Guidelines, 2015. Collection method: clinical testing. Allele origin: germline.

GeneDx
Classification: Likely benign. Last evaluated: 2016-12-08. Review status: criteria provided, single submitter. Criteria: GeneDx Variant Classification (06012015). Collection method: clinical testing. Allele origin: germline. Affected: yes.
Comment: This variant is considered likely benign or benign based on one or more of the following criteria: it is a conservative change, it occurs at a poorly conserved position in the protein, it is predicted to be benign by multiple in silico algorithms, and/or has population frequency not consistent with disease.